The following is an entry in ClinVar:

NM_001371986.1(UNC80):c.8812G>A (p.Ala2938Thr)

Gene: UNC80 (unc-80 subunit of NALCN channel complex; plus strand). Cytogenetic location: 2q34.
Variant type: single nucleotide variant.
Coding change: c.8812G>A on transcript NM_001371986.1 (MANE Select); coding-DNA position 8812, G replaced by A.
Protein change: p.Ala2938Thr; replaces alanine 2938 with threonine.
Molecular consequence: missense variant.
Genome position (GRCh38, 1-based): chr2:209,976,952, G>A. VCF-style: chr2-209976952-G-A. GRCh37 (hg19) VCF-style: chr2-210841676-G-A.
Other names: c.8614G>A, p.Ala2872Thr (NM_032504.2); c.8599G>A, p.Ala2867Thr (NM_182587.4); short protein forms A2872T, A2938T, A2867T.
Identifiers: ClinVar variation 1349533 (VCV001349533.6), dbSNP rs2093029496, ClinGen allele CA350414084.

ClinVar aggregate classification (germline): Uncertain significance (1 of 4 stars; one submission).

gnomAD v4.1: 7 of 1,528,536 alleles (0.00046%); highest among the groups gnomAD compares: Admixed American, 0.0059%; no homozygotes.

Submission:

Labcorp Genetics (formerly Invitae), Labcorp
Classification: Uncertain significance. Last evaluated: 2022-11-08. Review status: criteria provided, single submitter. Criteria: Invitae Variant Classification Sherloc (09022015). Collection method: clinical testing. Allele origin: germline.
Comment: In summary, the available evidence is currently insufficient to determine the role of this variant in disease. Therefore, it has been classified as a Variant of Uncertain Significance. ClinVar contains an entry for this variant (Variation ID: 1349533). This variant has not been reported in the literature in individuals affected with UNC80-related conditions. This variant is not present in population databases (gnomAD no frequency). This sequence change replaces alanine, which is neutral and non-polar, with threonine, which is neutral and polar, at codon 2872 of the UNC80 protein (p.Ala2872Thr). Advanced modeling of protein sequence and biophysical properties (such as structural, functional, and spatial information, amino acid conservation, physicochemical variation, residue mobility, and thermodynamic stability) performed at Invitae indicates that this missense variant is not expected to disrupt UNC80 protein function.